The following is an entry in ClinVar:

ClinVar aggregate classification (germline): Likely benign (1 of 4 stars; one submission).

Conditions:
Breast-ovarian cancer, familial, susceptibility to, 3. Also called: RAD51C-Related Breast/Ovarian Cancer. Identifiers: Orphanet 145, MedGen C3150659, MONDO:0013253, OMIM 613399.

Submission:

Myriad Genetics, Inc.
Classification: Likely benign for Breast-ovarian cancer, familial, susceptibility to, 3. Last evaluated: 2025-02-14. Review status: criteria provided, single submitter. Criteria: Myriad Autosomal Dominant, Autosomal Recessive and X-Linked Classification Criteria (2023). Collection method: clinical testing. Allele origin: unknown.
Comment: This variant is considered likely benign. This variant is intronic and is not expected to impact mRNA splicing.

NM_058216.3(RAD51C):c.145+7A>G

Genes: RAD51C (RAD51 paralog C; plus strand), LOC130061310 (ATAC-STARR-seq lymphoblastoid active region 12491; plus strand). Cytogenetic location: 17q22.
Variant type: single nucleotide variant.
Coding change: c.145+7A>G on transcript NM_058216.3 (MANE Select); 7 bases into the intron after coding-DNA position 145, A replaced by G.
Molecular consequence: intron variant.
Genome position (GRCh38, 1-based): chr17:58,692,795, A>G. VCF-style: chr17-58692795-A-G. GRCh37 (hg19) VCF-style: chr17-56770156-A-G.
Other names: c.145+7A>G (NM_002876.4).
Identifiers: ClinVar variation 3904084 (VCV003904084.1).
Genomic context (GRCh38, chr17:58,692,795, plus strand): 5'-GGTTCCAGACTGCTGAGGAACTCCTAGAGGTGAAACCCTCCGAGCTTAGCAAAGGTAACG[A>G]CTCCTGATGGCAAGCTGAGGCACACCGGCCGCCGTCAGCGCCGCCTCAGTCTTCGTTCTC-3'